The following is an entry in ClinVar:

NM_000548.5(TSC2):c.85A>G (p.Arg29Gly)

Gene: TSC2 (TSC complex subunit 2; plus strand). Cytogenetic location: 16p13.3.
Variant type: single nucleotide variant.
Coding change: c.85A>G on transcript NM_000548.5 (MANE Select); coding-DNA position 85, A replaced by G.
Protein change: p.Arg29Gly; replaces arginine 29 with glycine.
Molecular consequence: missense variant. On other transcripts: 5 prime UTR variant (1), intron variant (1).
Genome position (GRCh38, 1-based): chr16:2,048,700, A>G. VCF-style: chr16-2048700-A-G. GRCh37 (hg19) VCF-style: chr16-2098701-A-G.
Other names: c.85A>G, p.Arg29Gly (NM_001077183.3, NM_001114382.3, NM_001318827.2 and 13 more transcripts); c.-142A>G (NM_001318831.2, NM_001406682.1, NM_001406684.1 and 2 more transcripts); c.118A>G, p.Arg40Gly (NM_001318832.2); c.-1347A>G (NM_001406691.1, NM_001406692.1, NM_001406697.1 and 2 more transcripts); c.-1653A>G (NM_001406693.1); c.-1228A>G (NM_001406694.1, NM_001406695.1); c.-1335A>G (NM_001406696.1); c.-1523A>G (NM_001406698.1); and 3 more; short protein forms R29G, R40G.
Identifiers: ClinVar variation 2009321 (VCV002009321.4), dbSNP rs752830086, ClinGen allele CA394301346.

ClinVar aggregate classification (germline): Uncertain significance (1 of 4 stars; one submission).

Conditions:
Tuberous sclerosis 2 (TSC2). Identifiers: Orphanet 805, MedGen C1860707, MONDO:0013199, OMIM 613254.

Submission:

Labcorp Genetics (formerly Invitae), Labcorp
Classification: Uncertain significance for Tuberous sclerosis 2. Last evaluated: 2022-08-24. Review status: criteria provided, single submitter. Criteria: Invitae Variant Classification Sherloc (09022015). Collection method: clinical testing. Allele origin: germline.
Comment: Advanced modeling of protein sequence and biophysical properties (such as structural, functional, and spatial information, amino acid conservation, physicochemical variation, residue mobility, and thermodynamic stability) performed at Invitae indicates that this missense variant is not expected to disrupt TSC2 protein function. In summary, the available evidence is currently insufficient to determine the role of this variant in disease. Therefore, it has been classified as a Variant of Uncertain Significance. This variant has not been reported in the literature in individuals affected with TSC2-related conditions. This sequence change replaces arginine, which is basic and polar, with glycine, which is neutral and non-polar, at codon 29 of the TSC2 protein (p.Arg29Gly). This variant is not present in population databases (gnomAD no frequency).